The following is an entry in ClinVar:

NM_000535.7(PMS2):c.2266G>T (p.Asp756Tyr)

Gene: PMS2 (PMS1 homolog 2, mismatch repair system component; minus strand). Cytogenetic location: 7p22.1.
Variant type: single nucleotide variant.
Coding change: c.2266G>T on transcript NM_000535.7 (MANE Select); coding-DNA position 2266, G replaced by T.
Protein change: p.Asp756Tyr; replaces aspartic acid 756 with tyrosine.
Molecular consequence: missense variant. On other transcripts: non-coding transcript variant (1).
Genome position (GRCh38, 1-based): chr7:5,978,605, C>A on the plus strand (G>T on the coding strand, the complement: PMS2 is on the minus strand). VCF-style: chr7-5978605-C-A. GRCh37 (hg19) VCF-style: chr7-6018236-C-A.
Other names: c.1861G>T, p.Asp621Tyr (NM_001322003.2, NM_001322004.2, NM_001322005.2 and 1 more transcripts); c.2110G>T, p.Asp704Tyr (NM_001322006.2); c.1948G>T, p.Asp650Tyr (NM_001322007.2, NM_001322008.2); c.1705G>T, p.Asp569Tyr (NM_001322010.2); c.1333G>T, p.Asp445Tyr (NM_001322011.2, NM_001322012.2); c.1693G>T, p.Asp565Tyr (NM_001322013.2); c.2266G>T, p.Asp756Tyr (NM_001322014.2); c.1957G>T, p.Asp653Tyr (NM_001322015.2); short protein forms D756Y, D445Y, D621Y, D704Y, D565Y, D650Y, D569Y, D653Y.
Identifiers: ClinVar variation 418420 (VCV000418420.22), dbSNP rs762206330, ClinGen allele CA16618490.

ClinVar aggregate classification (germline): Uncertain significance. Review status: criteria provided, multiple submitters, no conflicts (2 of 4 stars). 8 submissions from 8 submitters: Uncertain significance (8). Last evaluated 2025-09-17.

Conditions:
Hereditary nonpolyposis colorectal neoplasms. Identifiers: MedGen C0009405, MeSH D003123.
Hereditary cancer-predisposing syndrome. Also called: Tumor predisposition; Hereditary neoplastic syndrome; Hereditary Cancer Syndrome; Neoplastic Syndromes, Hereditary. Identifiers: Orphanet 140162, MedGen C0027672, MeSH D009386, MONDO:0015356.
Lynch syndrome 4 (LYNCH4). Also called: Colorectal cancer, hereditary nonpolyposis, type 4; Hereditary non-polyposis colorectal cancer, type 4. Identifiers: Orphanet 144, MedGen C1838333, MONDO:0013699, OMIM 614337. Disease mechanism: loss of function.

Allele frequency attached by ClinVar (database versions not stated): gnomAD 0.00001.

Submissions (8):

Labcorp Genetics (formerly Invitae), Labcorp
Classification: Uncertain significance for Hereditary nonpolyposis colorectal neoplasms. Last evaluated: 2025-09-17. Review status: criteria provided, single submitter. Criteria: Invitae Variant Classification Sherloc (09022015). Collection method: clinical testing. Allele origin: germline.
Comment: This sequence change replaces aspartic acid, which is acidic and polar, with tyrosine, which is neutral and polar, at codon 756 of the PMS2 protein (p.Asp756Tyr). The frequency data for this variant in the population databases (gnomAD) is considered unreliable due to the presence of homologous sequence, such as pseudogenes or paralogs, in the genome. This variant has not been reported in the literature in individuals affected with PMS2-related conditions. ClinVar contains an entry for this variant (Variation ID: 418420). Invitae Evidence Modeling incorporating data from in vitro experimental studies (internal data) indicates that this missense variant is not expected to disrupt PMS2 function with a negative predictive value of 95%. In summary, the available evidence is currently insufficient to determine the role of this variant in disease. Therefore, it has been classified as a Variant of Uncertain Significance.

Helix
Classification: Uncertain significance for Lynch syndrome 4. Last evaluated: 2025-09-08. Review status: criteria provided, single submitter. Criteria: ACMG Guidelines, 2015. Collection method: clinical testing. Allele origin: germline. Inheritance: Autosomal dominant inheritance.
Comment: This variant (NM_000535.7:c.2266G>T p.Asp756Tyr) results in the substitution of aspartic acid with tyrosine at codon 756 in the PMS2 protein. It is present in the gnomAD population database (v4.1) at the highest allele frequency in the European (non-Finnish) subpopulation among non-founder subpopulations (8/1170432 alleles, 0.00068%). To our knowledge, this variant has not been reported in individuals with PMS2-related conditions in the published literature. In silico prediction from the HCI Database of Prior Probabilities of Pathogenicity is indeterminate. This variant is present in ClinVar (Accession: VCV000418420.19). In conclusion, since the available evidence is limited, the clinical significance of this variant is unclear at this time. Therefore, it is classified as a Variant of Uncertain Significance.

Color Diagnostics, LLC DBA Color Health
Classification: Uncertain significance for Hereditary cancer-predisposing syndrome. Last evaluated: 2025-06-11. Review status: criteria provided, single submitter. Criteria: ACMG Guidelines, 2015. Collection method: clinical testing. Allele origin: germline.
Comment: This missense variant replaces aspartic acid with tyrosine at codon 756 of the PMS2 protein. Computational prediction is inconclusive regarding the impact of this variant on protein structure and function. To our knowledge, functional studies have not been reported for this variant. This variant has not been reported in individuals affected with PMS2-related disorders in the literature. This variant has been identified in 1/249312 chromosomes in the general population by the Genome Aggregation Database (gnomAD). The available evidence is insufficient to determine the role of this variant in disease conclusively. Therefore, this variant is classified as a Variant of Uncertain Significance.

Molecular Pathology, Peter Maccallum Cancer Centre
Classification: Uncertain significance for Lynch syndrome 4. Last evaluated: 2024-07-23. Review status: criteria provided, single submitter. Criteria: ACMG Guidelines, 2015. Collection method: clinical testing. Allele origin: germline. Inheritance: Autosomal dominant inheritance.

Ambry Genetics
Classification: Uncertain significance for Hereditary cancer-predisposing syndrome. Last evaluated: 2024-07-03. Review status: criteria provided, single submitter. Criteria: Ambry Variant Classification Scheme 2023. Collection method: clinical testing. Allele origin: germline.
Comment: The p.D756Y variant (also known as c.2266G>T), located in coding exon 13 of the PMS2 gene, results from a G to T substitution at nucleotide position 2266. The aspartic acid at codon 756 is replaced by tyrosine, an amino acid with highly dissimilar properties. This amino acid position is well conserved in available vertebrate species. In addition, the in silico prediction for this alteration is inconclusive. Based on the available evidence, the clinical significance of this variant remains unclear.

ARUP Laboratories, Molecular Genetics and Genomics, ARUP Laboratories
Classification: Uncertain significance. Last evaluated: 2024-04-30. Review status: criteria provided, single submitter. Criteria: ARUP Molecular Germline Variant Investigation Process 2024. Collection method: clinical testing. Allele origin: germline.
Comment: The PMS2 c.2266G>T; p.Asp756Tyr variant (rs762206330), to our knowledge, is not reported in the medical literature but is reported in ClinVar (Variation ID: 418420). This variant is only observed on one allele in the Genome Aggregation Database (v2.1.1), indicating it is not a common polymorphism. Computational analyses are uncertain whether this variant is neutral or deleterious (REVEL: 0.607). Due to limited information, the clinical significance of this variant is uncertain at this time.

Baylor Genetics
Classification: Uncertain significance for Lynch syndrome 4. Last evaluated: 2021-02-09. Review status: criteria provided, single submitter. Criteria: ACMG Guidelines, 2015. Collection method: clinical testing. Allele origin: paternal. Affected: yes. Study: CSER-TexasKidsCanSeq.
Comment: This variant was determined to be of uncertain significance according to ACMG Guidelines, 2015 [PMID:25741868].

GeneDx
Classification: Uncertain significance. Last evaluated: 2015-02-16. Review status: criteria provided, single submitter. Criteria: GeneDx Variant Classification (06012015). Collection method: clinical testing. Allele origin: germline. Affected: yes.
Comment: This variant is denoted PMS2 c.2266G>T at the cDNA level, p.Asp756Tyr (D756Y) at the protein level, and results in the change of an Aspartic Acid to a Tyrosine (GAT>TAT). This variant has not, to our knowledge, been published in the literature as pathogenic or benign. PMS2 Asp756Tyr was not observed in approximately 6,500 individuals of European and African American ancestry in the NHLBI Exome Sequencing Project, indicating it is not a common benign variant in these populations. Since Aspartic Acid and Tyrosine differ in polarity, charge, size or other properties, this is considered a non-conservative amino acid substitution. PMS2 Asp756Tyr occurs at a position that is conserved across species and is located in the nuclease domain (Fukui 2011). In silico analyses predict that this variant is probably damaging to protein structure and function. Based on currently available information, it is unclear whether PMS2 Asp756Tyr is pathogenic or benign. We consider it to be a variant of uncertain significance.